The following is an entry in ClinVar:

NM_001966.4(EHHADH):c.863C>T (p.Ser288Leu)

Gene: EHHADH (enoyl-CoA hydratase and 3-hydroxyacyl CoA dehydrogenase; minus strand). Cytogenetic location: 3q27.2.
Variant type: single nucleotide variant.
Coding change: c.863C>T on transcript NM_001966.4 (MANE Select); coding-DNA position 863, C replaced by T.
Protein change: p.Ser288Leu; replaces serine 288 with leucine.
Molecular consequence: missense variant.
Genome position (GRCh38, 1-based): chr3:185,204,463, G>A on the plus strand (C>T on the coding strand, the complement: EHHADH is on the minus strand). VCF-style: chr3-185204463-G-A. GRCh37 (hg19) VCF-style: chr3-184922251-G-A.
Other names: c.575C>T, p.Ser192Leu (NM_001166415.2); short protein forms S192L, S288L.
Identifiers: ClinVar variation 3346965 (VCV003346965.1).

ClinVar aggregate classification (germline): Uncertain significance (0 of 4 stars; one submission).

Conditions:
EHHADH-related disorder. Also called: EHHADH-related condition.

gnomAD v4.1: 6 of 1,613,380 alleles (0.00037%); highest among the groups gnomAD compares: East Asian, 0.0022%; no homozygotes.

Submission:

PreventionGenetics, part of Exact Sciences
Classification: Uncertain significance for EHHADH-related condition. Last evaluated: 2024-08-22. Review status: no assertion criteria provided. Collection method: clinical testing. Allele origin: germline.
Comment: The EHHADH c.863C>T variant is predicted to result in the amino acid substitution p.Ser288Leu. To our knowledge, this variant has not been reported in the literature. This variant was reported in 0.011% (1/8,712) of alleles in individuals of African descent in gnomAD v2 (as displayed in the table above). However, in gnomAD v4 (available only on GRCh38), this variant is reported in 0.002228% (1/44,880) of alleles in individuals of East Asian descent. At this time, the clinical significance of this variant is uncertain due to the absence of conclusive functional and genetic evidence.